The following is an entry in ClinVar:

NM_001267550.2(TTN):c.15777A>G (p.Glu5259=)

Gene: TTN (titin; minus strand). Cytogenetic location: 2q31.2.
Variant type: single nucleotide variant.
Coding change: c.15777A>G on transcript NM_001267550.2 (MANE Select); coding-DNA position 15777, A replaced by G.
Protein change: p.Glu5259=; no amino-acid change (glutamic acid 5259 retained).
Molecular consequence: synonymous variant. On other transcripts: intron variant (3).
Genome position (GRCh38, 1-based): chr2:178,733,516, T>C on the plus strand (A>G on the coding strand, the complement: TTN is on the minus strand). VCF-style: chr2-178733516-T-C. GRCh37 (hg19) VCF-style: chr2-179598243-T-C.
Other names: c.14826A>G, p.Glu4942= (NM_001256850.1); c.12045A>G, p.Glu4015= (NM_133378.4); c.13282+4566A>G (NM_003319.4); c.13858+4566A>G (NM_133437.4); c.13657+4566A>G (NM_133432.3).
Identifiers: ClinVar variation 3239561 (VCV003239561.19), dbSNP rs1578199120.

ClinVar aggregate classification (germline): Likely benign (1 of 4 stars; one submission).

Submission:

CeGaT Center for Human Genetics Tuebingen
Classification: Likely benign. Last evaluated: 2024-05-01. Review status: criteria provided, single submitter. Criteria: CeGaT Center For Human Genetics Tuebingen Variant Classification Criteria Version 2. Collection method: clinical testing. Allele origin: germline. Affected: yes. Observed: 1 variant allele.
Comment: TTN: PM2:Supporting, BP4, BP7